The following is an entry in ClinVar:

NM_153026.3(PRICKLE1):c.1342A>T (p.Met448Leu)

Gene: PRICKLE1 (prickle planar cell polarity protein 1; minus strand). Cytogenetic location: 12q12.
Variant type: single nucleotide variant.
Coding change: c.1342A>T on transcript NM_153026.3 (MANE Select); coding-DNA position 1342, A replaced by T.
Protein change: p.Met448Leu; replaces methionine 448 with leucine.
Molecular consequence: missense variant.
Genome position (GRCh38, 1-based): chr12:42,464,692, T>A on the plus strand (A>T on the coding strand, the complement: PRICKLE1 is on the minus strand). VCF-style: chr12-42464692-T-A. GRCh37 (hg19) VCF-style: chr12-42858494-T-A.
Other names: c.1342A>T, p.Met448Leu (NM_001144881.2, NM_001144882.2, NM_001144883.2); short protein forms M448L.
Identifiers: ClinVar variation 847365 (VCV000847365.8), dbSNP rs776727562, ClinGen allele CA6519766.

ClinVar aggregate classification (germline): Uncertain significance. Review status: criteria provided, multiple submitters, no conflicts (2 of 4 stars). 2 submissions from 2 submitters: Uncertain significance (2). Last evaluated 2025-04-17.

Conditions:
Epilepsy, progressive myoclonic, 1B. Also called: PME. Identifiers: Orphanet 308, MedGen C2676254, MONDO:0012904, OMIM 612437.

Allele frequency attached by ClinVar (database versions not stated): gnomAD exomes 0.00001; ExAC 0.00002.

Submissions (2):

Ambry Genetics
Classification: Uncertain significance. Last evaluated: 2025-04-17. Review status: criteria provided, single submitter. Criteria: Ambry Variant Classification Scheme 2023. Collection method: clinical testing. Allele origin: germline.

Labcorp Genetics (formerly Invitae), Labcorp
Classification: Uncertain significance for Epilepsy, progressive myoclonic, 1B. Last evaluated: 2022-08-22. Review status: criteria provided, single submitter. Criteria: Invitae Variant Classification Sherloc (09022015). Collection method: clinical testing. Allele origin: germline.
Comment: This sequence change replaces methionine, which is neutral and non-polar, with leucine, which is neutral and non-polar, at codon 448 of the PRICKLE1 protein (p.Met448Leu). This variant is present in population databases (rs776727562, gnomAD 0.006%). This variant has not been reported in the literature in individuals affected with PRICKLE1-related conditions. ClinVar contains an entry for this variant (Variation ID: 847365). Algorithms developed to predict the effect of missense changes on protein structure and function (SIFT, PolyPhen-2, Align-GVGD) all suggest that this variant is likely to be tolerated. In summary, the available evidence is currently insufficient to determine the role of this variant in disease. Therefore, it has been classified as a Variant of Uncertain Significance.